The following is an entry in ClinVar:

ClinVar aggregate classification (germline): Pathogenic. Review status: criteria provided, multiple submitters, no conflicts (2 of 4 stars). 2 submissions from 2 submitters: Pathogenic (2). Last evaluated 2024-05-23.

Conditions:
Hereditary cancer-predisposing syndrome. Also called: Tumor predisposition; Hereditary neoplastic syndrome; Neoplastic Syndromes, Hereditary; Hereditary Cancer Syndrome. Identifiers: Orphanet 140162, MedGen C0027672, MeSH D009386, MONDO:0015356.
Familial adenomatous polyposis 1 (FAP1). Also called: POLYPOSIS, ADENOMATOUS INTESTINAL; FAMILIAL ADENOMATOUS POLYPOSIS 1, ATTENUATED. Identifiers: MedGen C2713442, MONDO:0021056, OMIM 175100. Disease mechanism: loss of function.

Submissions (2):

Ambry Genetics
Classification: Pathogenic for Hereditary cancer-predisposing syndrome. Last evaluated: 2024-05-23. Review status: criteria provided, single submitter. Criteria: Ambry Variant Classification Scheme 2023. Collection method: clinical testing. Allele origin: germline.
Comment: The c.688delC pathogenic mutation, located in coding exon 6 of the APC gene, results from a deletion of one nucleotide at nucleotide position 688, causing a translational frameshift with a predicted alternate stop codon (p.R230Vfs*63). This variant has been observed in at least one individual with a personal and/or family history that is consistent with APC-associated polyposis conditions (Ambry internal data). This variant is considered to be rare based on population cohorts in the Genome Aggregation Database (gnomAD). This alteration is expected to result in loss of function by premature protein truncation or nonsense-mediated mRNA decay. As such, this alteration is interpreted as a disease-causing mutation.

Myriad Genetics, Inc.
Classification: Pathogenic for Familial adenomatous polyposis 1. Last evaluated: 2023-04-27. Review status: criteria provided, single submitter. Criteria: Myriad Autosomal Dominant, Autosomal Recessive and X-Linked Classification Criteria (2023). Collection method: clinical testing. Allele origin: unknown.
Comment: This variant is considered pathogenic. This variant creates a frameshift predicted to result in premature protein truncation.

NM_000038.6(APC):c.688del (p.Arg230fs)

Gene: APC (APC regulator of Wnt signaling pathway; plus strand). Cytogenetic location: 5q22.2.
Variant type: Deletion.
Coding change: c.688del on transcript NM_000038.6 (MANE Select); coding-DNA position 688, one base deleted (C; older notation c.688delC).
Protein change: p.Arg230fs; shifts the reading frame from arginine 230.
Molecular consequence: frameshift variant. On other transcripts: 5 prime UTR variant (4), non-coding transcript variant (2), intron variant (5).
Genome position (GRCh38, 1-based): chr5:112,792,488, C deleted. VCF-style (leftmost placement, unchanged base first): chr5-112792487-TC-T. GRCh37 (hg19) VCF-style: chr5-112128184-TC-T.
Other names: c.688delC (NM_000038.5); c.688del, p.Arg230fs (NM_001127510.3, NM_001354895.2, NM_001354896.2 and 12 more transcripts); c.718del, p.Arg240fs (NM_001354897.2, NM_001354902.2, NM_001407446.1); c.613del, p.Arg205fs (NM_001354898.2, NM_001354904.2, NM_001407451.1); c.511del, p.Arg171fs (NM_001354900.2, NM_001354901.2, NM_001354905.2 and 1 more transcripts); c.-348del (NM_001354906.2, NM_001407470.1, NM_001407471.1 and 1 more transcripts); c.646-8791del (NM_001407452.1, NM_001407469.1, NM_001354899.2 and 1 more transcripts); c.676-8791del (NM_001127511.3); short protein forms R171fs, R205fs, R230fs, R240fs.
Identifiers: ClinVar variation 2583551 (VCV002583551.2), dbSNP rs2532633030, ClinGen allele CA645546039.